The following is an entry in ClinVar:

ClinVar aggregate classification (germline): Uncertain significance (1 of 4 stars; one submission).

Conditions:
Emery-Dreifuss muscular dystrophy 4, autosomal dominant (EDMD4). Also called: EMERY-DREIFUSS MUSCULAR DYSTROPHY 4 WITH VARIABLE FEATURES. Identifiers: Orphanet 261, MedGen C2751807, MONDO:0013071, OMIM 612998.
Autosomal recessive ataxia, Beauce type. Also called: Spinocerebellar ataxia, autosomal recessive 8; ATAXIA, RECESSIVE, OF BEAUCE; SYNE1 Deficiency; SYNE1-Related Autosomal Recessive Cerebellar Ataxia. Identifiers: Orphanet 88644, MedGen C1853116, MONDO:0012549, OMIM 610743.

Allele frequency attached by ClinVar (database versions not stated): gnomAD exomes below 0.00001; TOPMed below 0.00001; gnomAD 0.00001.
gnomAD v4.1: 5 of 1,614,096 alleles (0.00031%); highest among the groups gnomAD compares: South Asian, 0.0022%; no homozygotes.

Submission:

Labcorp Genetics (formerly Invitae), Labcorp
Classification: Uncertain significance for Emery-Dreifuss muscular dystrophy 4, autosomal dominant; Autosomal recessive ataxia, Beauce type. Last evaluated: 2022-01-17. Review status: criteria provided, single submitter. Criteria: Invitae Variant Classification Sherloc (09022015). Collection method: clinical testing. Allele origin: germline.
Comment: This sequence change replaces serine, which is neutral and polar, with tyrosine, which is neutral and polar, at codon 5804 of the SYNE1 protein (p.Ser5804Tyr). This variant is present in population databases (no rsID available, gnomAD 0.01%). This variant has not been reported in the literature in individuals affected with SYNE1-related conditions. Algorithms developed to predict the effect of missense changes on protein structure and function (SIFT, PolyPhen-2, Align-GVGD) all suggest that this variant is likely to be disruptive. In summary, the available evidence is currently insufficient to determine the role of this variant in disease. Therefore, it has been classified as a Variant of Uncertain Significance.

NM_182961.4(SYNE1):c.17624C>A (p.Ser5875Tyr)

Gene: SYNE1 (spectrin repeat containing nuclear envelope protein 1; minus strand). Cytogenetic location: 6q25.2.
Variant type: single nucleotide variant.
Coding change: c.17624C>A on transcript NM_182961.4 (MANE Select); coding-DNA position 17624, C replaced by A.
Protein change: p.Ser5875Tyr; replaces serine 5875 with tyrosine.
Molecular consequence: missense variant.
Genome position (GRCh38, 1-based): chr6:152,300,699, G>T on the plus strand (C>A on the coding strand, the complement: SYNE1 is on the minus strand). VCF-style: chr6-152300699-G-T. GRCh37 (hg19) VCF-style: chr6-152621834-G-T.
Other names: c.17411C>A, p.Ser5804Tyr (NM_033071.5); short protein forms S5804Y, S5875Y.
Identifiers: ClinVar variation 1434273 (VCV001434273.3), dbSNP rs1043563187, ClinGen allele CA150197453.